The following is an entry in ClinVar:

ClinVar aggregate classification (germline): Benign/Likely benign. Review status: criteria provided, multiple submitters, no conflicts (2 of 4 stars). 6 submissions from 6 submitters: Benign (2); Likely benign (4). Last evaluated 2025-11-19.

Conditions:
OPA1-related disorder. Also called: OPA1-related condition; OPA1-related disorders.
Autosomal dominant optic atrophy classic form (OPA1). Also called: KJER-TYPE OPTIC ATROPHY; OPTIC ATROPHY, JUVENILE; Optic Atrophy Type 1. Identifiers: Orphanet 98673, MedGen C0338508, MONDO:0008134, OMIM 165500.

Allele frequency attached by ClinVar (database versions not stated): gnomAD exomes 0.00006 and 0.00014; TOPMed 0.00009; ExAC 0.00013; gnomAD 0.00005; ESP Exome Variant Server 0.00015; 1000 Genomes Project 0.00020; 1000 Genomes Project 30x 0.00031.
gnomAD v4.1: 106 of 1,613,560 alleles (0.0066%); highest among the groups gnomAD compares: Non-Finnish European, 0.0047%; no homozygotes.

Submissions (6):

Labcorp Genetics (formerly Invitae), Labcorp
Classification: Benign. Last evaluated: 2025-11-19. Review status: criteria provided, single submitter. Criteria: Invitae Variant Classification Sherloc (09022015). Collection method: clinical testing. Allele origin: germline.

PreventionGenetics, part of Exact Sciences
Classification: Likely benign for OPA1-related condition. Last evaluated: 2025-07-22. Review status: criteria provided, single submitter. Criteria: ACMG Guidelines, 2015. Collection method: clinical testing. Allele origin: germline.
Comment: This variant is classified as likely benign based on ACMG/AMP sequence variant interpretation guidelines (Richards et al. 2015 PMID: 25741868, with internal and published modifications).

Blueprint Genetics
Classification: Likely benign. Last evaluated: 2024-08-08. Review status: criteria provided, single submitter. Criteria: ACMG Guidelines, 2015. Collection method: clinical testing. Allele origin: germline.

Athena Diagnostics
Classification: Benign. Last evaluated: 2021-04-28. Review status: criteria provided, single submitter. Criteria: Athena Diagnostics criteria. Collection method: clinical testing. Allele origin: unknown.

GeneDx
Classification: Likely benign. Last evaluated: 2018-05-21. Review status: criteria provided, single submitter. Criteria: GeneDx Variant Classification (06012015). Collection method: clinical testing. Allele origin: germline. Affected: yes.
Comment: This variant is considered likely benign or benign based on one or more of the following criteria: it is a conservative change, it occurs at a poorly conserved position in the protein, it is predicted to be benign by multiple in silico algorithms, and/or has population frequency not consistent with disease.

Illumina Laboratory Services, Illumina
Classification: Likely benign for Autosomal dominant optic atrophy classic form. Last evaluated: 2018-01-13. Review status: criteria provided, single submitter. Criteria: ICSL Variant Classification Criteria 13 December 2019. Collection method: clinical testing. Allele origin: germline.
Comment: This variant was observed in the ICSL laboratory as part of a predisposition screen in an ostensibly healthy population. It had not been previously curated by ICSL or reported in the Human Gene Mutation Database (HGMD: prior to June 1st, 2018), and was therefore a candidate for classification through an automated scoring system. Utilizing variant allele frequency, disease prevalence and penetrance estimates, and inheritance mode, an automated score was calculated to assess if this variant is too frequent to cause the disease. Based on the score and internal cut-off values, a variant classified as likely benign is not then subjected to further curation. The score for this variant resulted in a classification of likely benign for this disease.

NM_130837.3(OPA1):c.2331+10T>C

Gene: OPA1 (OPA1 mitochondrial dynamin like GTPase; plus strand). Cytogenetic location: 3q29.
Variant type: single nucleotide variant.
Coding change: c.2331+10T>C on transcript NM_130837.3 (MANE Select); 10 bases into the intron after coding-DNA position 2331, T replaced by C.
Molecular consequence: intron variant.
Genome position (GRCh38, 1-based): chr3:193,657,242, T>C. VCF-style: chr3-193657242-T-C. GRCh37 (hg19) VCF-style: chr3-193375031-T-C.
Other names: c.1794+10T>C (NM_001354664.2); c.1797+10T>C (NM_001354663.2); c.2220+10T>C (NM_130834.3); c.2277+10T>C (NM_130836.3); c.2166+10T>C (NM_015560.3); c.2223+10T>C (NM_130835.3); c.2112+10T>C (NM_130832.3); c.2169+10T>C (NM_130833.3); and 2 more.
Identifiers: ClinVar variation 344487 (VCV000344487.12), dbSNP rs371096629, ClinGen allele CA2759621.